The following is an entry in ClinVar:

ClinVar aggregate classification (germline): Uncertain significance (1 of 4 stars; one submission).

Conditions:
Familial thoracic aortic aneurysm and aortic dissection (TAAD). Also called: Thoracic aortic aneurysms and dissections. Identifiers: Orphanet 91387, MedGen C4707243, MONDO:0019625.
Hereditary cancer-predisposing syndrome. Also called: Neoplastic Syndromes, Hereditary; Tumor predisposition; Hereditary neoplastic syndrome; Hereditary Cancer Syndrome. Identifiers: Orphanet 140162, MedGen C0027672, MeSH D009386, MONDO:0015356.

Submission:

Ambry Genetics
Classification: Uncertain significance for Hereditary cancer-predisposing syndrome; Familial thoracic aortic aneurysm and aortic dissection. Last evaluated: 2026-07-06. Review status: criteria provided, single submitter. Criteria: Ambry Variant Classification Scheme 2023. Collection method: clinical testing. Allele origin: germline.
Comment: The p.T267S variant (also known as c.799A>T), located in coding exon 6 of the SMAD4 gene, results from an A to T substitution at nucleotide position 799. The threonine at codon 267 is replaced by serine, an amino acid with similar properties. This amino acid position is conserved. In addition, this alteration is predicted to be tolerated by in silico analysis. Based on the available evidence, the clinical significance of this variant remains unclear.

NM_005359.6(SMAD4):c.799A>T (p.Thr267Ser)

Gene: SMAD4 (SMAD family member 4; plus strand). Cytogenetic location: 18q21.2.
Variant type: single nucleotide variant.
Coding change: c.799A>T on transcript NM_005359.6 (MANE Select); coding-DNA position 799, A replaced by T.
Protein change: p.Thr267Ser; replaces threonine 267 with serine.
Molecular consequence: missense variant. On other transcripts: non-coding transcript variant (2).
Genome position (GRCh38, 1-based): chr18:51,058,351, A>T. VCF-style: chr18-51058351-A-T. GRCh37 (hg19) VCF-style: chr18-48584721-A-T.
Other names: c.799A>T, p.Thr267Ser (NM_001407041.1, NM_001407042.1, NM_001407043.1); short protein forms T267S.
Identifiers: ClinVar variation 5029733 (VCV005029733.1).